The following is an entry in ClinVar:

NM_001038.6(SCNN1A):c.1299C>T (p.Tyr433=)

Gene: SCNN1A (sodium channel epithelial 1 subunit alpha; minus strand). Cytogenetic location: 12p13.31.
Variant type: single nucleotide variant.
Coding change: c.1299C>T on transcript NM_001038.6 (MANE Select); coding-DNA position 1299, C replaced by T.
Protein change: p.Tyr433=; no amino-acid change (tyrosine 433 retained).
Molecular consequence: synonymous variant.
Genome position (GRCh38, 1-based): chr12:6,354,499, G>A on the plus strand (C>T on the coding strand, the complement: SCNN1A is on the minus strand). VCF-style: chr12-6354499-G-A. GRCh37 (hg19) VCF-style: chr12-6463665-G-A.
Other names: c.1368C>T, p.Tyr456= (NM_001159575.2); c.1476C>T, p.Tyr492= (NM_001159576.2).
Identifiers: ClinVar variation 310139 (VCV000310139.46), dbSNP rs375712066, ClinGen allele CA6405920.

ClinVar aggregate classification (germline): Conflicting classifications of pathogenicity. Review status: criteria provided, conflicting classifications (1 of 4 stars). 5 submissions from 4 submitters: Uncertain significance (2); Benign (1); Likely benign (2). Last evaluated 2024-08-26.

Conditions:
Pseudohypoaldosteronism, type IB1, autosomal recessive. Also called: Pseudohypoaldosteronism, Type I, Recessive; PHA I, AUTOSOMAL RECESSIVE; Autosomal recessive pseudohypoaldosteronism type 1; Pseudohypoaldosteronism, Type I, Autosomal Recessive. Identifiers: Orphanet 171876, Orphanet 756, MedGen C5774176, MONDO:0009917, OMIM 264350.
Bronchiectasis with or without elevated sweat chloride 2 (BESC2). Identifiers: Orphanet 60033, MedGen C2751666, MONDO:0013087, OMIM 613021.

Allele frequency attached by ClinVar (database versions not stated): ExAC 0.00008; ESP Exome Variant Server 0.00015; gnomAD exomes 0.00002 and 0.00005; gnomAD 0.00005; TOPMed 0.00006.
gnomAD v4.1: 42 of 1,613,746 alleles (0.0026%); highest among the groups gnomAD compares: Middle Eastern, 0.085%; no homozygotes.

Submissions (5):

Blueprint Genetics
Classification: Likely benign. Last evaluated: 2024-08-26. Review status: criteria provided, single submitter. Criteria: ACMG Guidelines, 2015. Collection method: clinical testing. Allele origin: germline.

CeGaT Center for Human Genetics Tuebingen
Classification: Likely benign. Last evaluated: 2020-05-01. Review status: criteria provided, single submitter. Criteria: CeGaT Center For Human Genetics Tuebingen Variant Classification Criteria Version 2. Collection method: clinical testing. Allele origin: germline. Affected: yes. Observed: 1 variant allele.

Johns Hopkins Genomics, Johns Hopkins University
Classification: Uncertain significance for Pseudohypoaldosteronism, type IB1, autosomal recessive. Last evaluated: 2019-05-08. Review status: criteria provided, single submitter. Criteria: ACMG Guidelines, 2015. Collection method: clinical testing. Allele origin: germline.
Comment: This SCNN1A variant (rs375712066) is rare (<0.1%) in large population datasets (gnomAD: 14/ 282788 total alleles; 0.0050%; no homozygotes). A single submitter in ClinVar classifies the clinical significance of this variant as uncertain (Variation ID: 310139). Bioinformatic analysis predicts that this synonymous variant would not affect normal exon 8 splicing, although this has not been confirmed experimentally to our knowledge. Due to insufficient evidence that this variant is deleterious, the clinical significance of c.1299C>T is uncertain at this time.

Illumina Laboratory Services, Illumina
Classification: Uncertain significance for Pseudohypoaldosteronism, type IB1, autosomal recessive. Last evaluated: 2018-01-13. Review status: criteria provided, single submitter. Criteria: ICSL Variant Classification Criteria 13 December 2019. Collection method: clinical testing. Allele origin: germline.

Illumina Laboratory Services, Illumina
Classification: Benign for Bronchiectasis with or without elevated sweat chloride 2. Last evaluated: 2018-01-13. Review status: criteria provided, single submitter. Criteria: ICSL Variant Classification Criteria 13 December 2019. Collection method: clinical testing. Allele origin: germline.
Comment: This variant was observed in the ICSL laboratory as part of a predisposition screen in an ostensibly healthy population. It had not been previously curated by ICSL or reported in the Human Gene Mutation Database (HGMD: prior to June 1st, 2018), and was therefore a candidate for classification through an automated scoring system. Utilizing variant allele frequency, disease prevalence and penetrance estimates, and inheritance mode, an automated score was calculated to assess if this variant is too frequent to cause the disease. Based on the score and internal cut-off values, a variant classified as benign is not then subjected to further curation. The score for this variant resulted in a classification of benign for this disease.